The following is an entry in ClinVar:

ClinVar aggregate classification (germline): Uncertain significance. Review status: criteria provided, multiple submitters, no conflicts (2 of 4 stars). 2 submissions from 2 submitters: Uncertain significance (2). Last evaluated 2026-04-01.

Conditions:
Inborn genetic diseases. Identifiers: MedGen C0950123, MeSH D030342.

Allele frequency attached by ClinVar (database versions not stated): gnomAD 0.00004; gnomAD exomes 0.00004; TOPMed 0.00005; ExAC 0.00010.
gnomAD v4.1: 63 of 1,613,536 alleles (0.0039%); highest among the groups gnomAD compares: South Asian, 0.015%; no homozygotes.

Submissions (2):

CeGaT Center for Human Genetics Tuebingen
Classification: Uncertain significance. Last evaluated: 2026-04-01. Review status: criteria provided, single submitter. Criteria: CeGaT Center For Human Genetics Tuebingen Variant Classification Criteria Version 2. Collection method: clinical testing. Allele origin: germline. Affected: yes. Observed: 1 variant allele.
Comment: AP1B1: PM2

Ambry Genetics
Classification: Uncertain significance for Inborn genetic diseases. Last evaluated: 2023-12-14. Review status: criteria provided, single submitter. Criteria: Ambry Variant Classification Scheme 2023. Collection method: clinical testing. Allele origin: germline.

NM_001127.4(AP1B1):c.700G>A (p.Asp234Asn)

Gene: AP1B1 (adaptor related protein complex 1 subunit beta 1; minus strand). Cytogenetic location: 22q12.2.
Variant type: single nucleotide variant.
Coding change: c.700G>A on transcript NM_001127.4 (MANE Select); coding-DNA position 700, G replaced by A.
Protein change: p.Asp234Asn; replaces aspartic acid 234 with asparagine.
Molecular consequence: missense variant.
Genome position (GRCh38, 1-based): chr22:29,356,442, C>T on the plus strand (G>A on the coding strand, the complement: AP1B1 is on the minus strand). VCF-style: chr22-29356442-C-T. GRCh37 (hg19) VCF-style: chr22-29752431-C-T.
Other names: c.529G>A, p.Asp177Asn (NM_001378564.1, NM_001378565.1); c.700G>A, p.Asp234Asn (NM_001378566.1, NM_145730.3, NM_001166019.2 and 2 more transcripts); short protein forms D234N, D177N.
Identifiers: ClinVar variation 3127431 (VCV003127431.3), dbSNP rs754647389, ClinGen allele CA10173411.